The following is an entry in ClinVar:

NM_001267550.2(TTN):c.11254+6T>C

Gene: TTN (titin; minus strand). Cytogenetic location: 2q31.2.
Variant type: single nucleotide variant.
Coding change: c.11254+6T>C on transcript NM_001267550.2 (MANE Select); 6 bases into the intron after coding-DNA position 11254, T replaced by C.
Molecular consequence: intron variant.
Genome position (GRCh38, 1-based): chr2:178,756,216, A>G on the plus strand (T>C on the coding strand, the complement: TTN is on the minus strand). VCF-style: chr2-178756216-A-G. GRCh37 (hg19) VCF-style: chr2-179620943-A-G.
Other names: c.10165+2768T>C (NM_003319.4); c.10741+6T>C (NM_133437.4); c.10540+1326T>C (NM_133432.3); c.10303+2768T>C (NM_133378.4, NM_001256850.1, NM_133379.5).
Identifiers: ClinVar variation 993950 (VCV000993950.10), dbSNP rs747639608, ClinGen allele CA2003962.

ClinVar aggregate classification (germline): Likely benign. Review status: criteria provided, multiple submitters, no conflicts (2 of 4 stars). 3 submissions from 3 submitters: Likely benign (3). Last evaluated 2026-06-02.

Conditions:
TTN-related disorder. Also called: TTN-related condition; TTN-related disease; TTN-related disorders.

Allele frequency attached by ClinVar (database versions not stated): gnomAD 0.00001; gnomAD exomes 0.00002 and 0.00010; TOPMed 0.00004; ExAC 0.00011.
gnomAD v4.1: 26 of 1,587,410 alleles (0.0016%); highest among the groups gnomAD compares: Admixed American, 0.043%; no homozygotes.

Submissions (3):

PreventionGenetics, part of Exact Sciences
Classification: Likely benign for TTN-related condition. Last evaluated: 2026-06-02. Review status: criteria provided, single submitter. Criteria: ACMG Guidelines, 2015. Collection method: clinical testing. Allele origin: germline.
Comment: This variant is classified as likely benign based on ACMG/AMP sequence variant interpretation guidelines (Richards et al. 2015 PMID: 25741868, with internal and published modifications).

GeneDx
Classification: Likely benign. Last evaluated: 2021-04-01. Review status: criteria provided, single submitter. Criteria: GeneDx Variant Classification Process June 2021. Collection method: clinical testing. Allele origin: germline. Affected: yes.

ARUP Laboratories, Molecular Genetics and Genomics, ARUP Laboratories
Classification: Likely benign. Last evaluated: 2020-08-21. Review status: criteria provided, single submitter. Criteria: ARUP Molecular Germline Variant Investigation Process. Collection method: clinical testing. Allele origin: germline.